The following is an entry in ClinVar:

ClinVar aggregate classification (germline): Pathogenic. Review status: criteria provided, multiple submitters, no conflicts (2 of 4 stars). 21 submissions from 21 submitters: Pathogenic (19). 2 of the submissions do not count toward it. Last evaluated 2026-08-04.

Conditions:
CHD7 Disorder. Identifiers: MedGen CN381339.
CHD7-related CHARGE syndrome. Identifiers: MedGen CN380413, MONDO:1010178, OMIM 214800.
CHD7-related disorder. Also called: CHD7-related condition.
CHARGE syndrome (CHARGE). Also called: CHARGE ASSOCIATION--COLOBOMA, HEART ANOMALY, CHOANAL ATRESIA, RETARDATION, GENITAL AND EAR ANOMALIES; Hittner Hirsch Kreh syndrome; Coloboma, heart anomaly, choanal atresia, retardation, genital and ear anomalies; CHARGE association; Hall-Hittner syndrome. Identifiers: Orphanet 138, MedGen C0265354, MONDO:0008965.
Hypogonadotropic hypogonadism 5 with or without anosmia (KAL5). Also called: HYPOGONADOTROPIC HYPOGONADISM 5 WITH ANOSMIA; HYPOGONADOTROPHIC HYPOGONADISM 5 WITHOUT ANOSMIA; CHD7-Related GnRH Deficiency (Kallmann Syndrome 5). Identifiers: Orphanet 478, MedGen C3552553, MONDO:0012880, OMIM 612370. Disease mechanism: loss of function.

Submissions 1 to 14 of 21:

Kasturba Medical College, Manipal, Kasturba Medical College, Manipal, Manipal Academy of Higher Education, Manipal, India
Classification: Pathogenic for CHD7-related CHARGE syndrome. Last evaluated: 2026-08-04. Review status: criteria provided, single submitter. Criteria: ACMG Guidelines, 2015. Collection method: research. Allele origin: de novo. Inheritance: Autosomal dominant inheritance. Affected: yes. Observed: 1 variant allele, 1 heterozygote.
Comment: This variant is absent in homozygous and/or heterozygous state in the population database gnomAD (v.4.1.1) and our in-house database of 4415 exomes. This variant is predicted to introduce a premature termination codon which may either trigger nonsense-mediated mRNA decay or result in a truncated protein product.

PreventionGenetics, part of Exact Sciences
Classification: Pathogenic for CHD7-related condition. Last evaluated: 2026-07-01. Review status: criteria provided, single submitter. Criteria: ACMG Guidelines, 2015. Collection method: clinical testing. Allele origin: germline.
Comment: The CHD7 c.1480C>T variant is predicted to result in premature protein termination (p.Arg494*). This variant has been reported, sometimes de novo, in individuals with CHARGE syndrome (see for example: Lalani et al. 2006. PubMed ID: 16400610; Dillon et al. 2018. PubMed ID: 29453417; Qin et al. 2020. PubMed ID: 32625235). This variant has not been reported in a large population database (gnomAD), indicating this variant is rare. This variant is consistently interpreted as pathogenic in ClinVar (Variation ID: 158279). Nonsense variants in CHD7 are expected to be pathogenic. This variant is interpreted as pathogenic.

Dasa
Classification: Pathogenic. Last evaluated: 2026-01-15. Review status: criteria provided, single submitter. Criteria: DASA Assertion Criteria. Collection method: clinical testing. Allele origin: germline.
Comment: NM_017780.4(CHD7):c.1480C>T (p.Arg494*) introduces a premature termination codon predicted to result in loss of normal protein function. Loss-of-function is an established mechanism of disease for this gene. This variant has been recurrently observed in individuals with related phenotype (PMID: 16400610; PMID: 23024289; PMID: 21158681; PMID: 24368733; PMID: 28832562). Based on the available data, this variant is classified as pathogenic.

Division of Genetic & Genomic Pathology, Hong Kong Children's Hospital
Classification: Pathogenic for CHD7 Disorder. Last evaluated: 2025-08-03. Review status: criteria provided, single submitter. Criteria: ACMG Guidelines, 2015. Collection method: clinical testing. Allele origin: germline. Affected: yes.
Comment: CHD7 c.1480C>T p.(Arg494*) is a nonsense variant in exon 2 of 38 of the CHD7 gene. The variant is predicted to result in loss of protein function by nonsense-mediated mRNA decay. CHD7 c.1480C>T p.(Arg494*) is absent from population control databases (gnomAD v2.1.1 and v4.1.0) and has been reported in multiple patients with clinical features of CHD7 disorder (PMIDs: 16400610, 21158681, 29453417, 36830778). The variant has been submitted as pathogenic to ClinVar (variation ID: 158279) and to HGMD (accession: CM060210). For these reasons, CHD7 c.1480C>T p.(Arg494*) is a pathogenic variant.

Labcorp Genetics (formerly Invitae), Labcorp
Classification: Pathogenic for CHARGE syndrome. Last evaluated: 2024-12-05. Review status: criteria provided, single submitter. Criteria: Invitae Variant Classification Sherloc (09022015). Collection method: clinical testing. Allele origin: germline.
Comment: This sequence change creates a premature translational stop signal (p.Arg494*) in the CHD7 gene. It is expected to result in an absent or disrupted protein product. Loss-of-function variants in CHD7 are known to be pathogenic (PMID: 22461308, 25077900). This variant is not present in population databases (gnomAD no frequency). This premature translational stop signal has been observed in individual(s) with clinical features of CHARGE syndrome (PMID: 16400610, 21158681, 22461308, 23024289, 24368733, 28832562). In at least one individual the variant was observed to be de novo. ClinVar contains an entry for this variant (Variation ID: 158279). For these reasons, this variant has been classified as Pathogenic.

Centro Nacional de Genética Medica, Administración Nacional de Laboratorios e Institutos de Salud (ANLIS) “Dr. Carlos G Malbrán”
Classification: Pathogenic for CHD7-related CHARGE syndrome. Last evaluated: 2024-08-01. Review status: criteria provided, single submitter. Criteria: ACMG Guidelines, 2015. Collection method: research. Allele origin: germline. Affected: yes. Observed: 1 variant allele.
Comment: The c.1480C>T, variant found is located in exon 2 of the CHD7 gene. CHD7 is a gene classified as haploinsufficient, and as a consequence of this variant, there would be no translation and, consequently, a lack of protein (PVS1). There are 15 unrelated case reports in the literature that present this variant with a phenotype consistent with Charge Syndrome (PS4). The variant was not found in the parents of these 15 reported cases that presented a phenotype consistent with Charge Syndrome. Parentage studies are not specified in the reports (PM6_VeryStrong). The variant found is not present in population-based databases such as GnomAD, ExAc, or 1000 Genomes (PM2_Supporting). The patient's phenotype is consistent with Charge Syndrome, and the CHD7 gene is closely associated with the disease (PP4).

3billion
Classification: Pathogenic for CHD7-related CHARGE syndrome. Last evaluated: 2024-01-11. Review status: criteria provided, single submitter. Criteria: ACMG Guidelines, 2015. Collection method: clinical testing. Allele origin: germline. Affected: yes.
Comment: The variant is not observed in the gnomAD v2.1.1 dataset. Predicted Consequence/Location: Stop-gained (nonsense): predicted to result in a loss or disruption of normal protein function through nonsense-mediated decay (NMD) or protein truncation. Multiple pathogenic variants are reported downstream of the variant. The variant has been reported at least twice as pathogenic with clinical assertions and evidence for the classification (ClinVar ID: VCV000158279 /PMID: 16400610). Therefore, this variant is classified as Pathogenic according to the recommendation of ACMG/AMP guideline.

Blueprint Genetics
Classification: Pathogenic for CHD7-related disorders. Last evaluated: 2023-05-17. Review status: criteria provided, single submitter. Criteria: ACMG Guidelines, 2015. Collection method: clinical testing. Allele origin: de novo. Affected: yes. Observed: 3 variant alleles.

GeneDx
Classification: Pathogenic. Last evaluated: 2022-11-22. Review status: criteria provided, single submitter. Criteria: GeneDx Variant Classification Process June 2021. Collection method: clinical testing. Allele origin: germline. Affected: yes.
Comment: Nonsense variant predicted to result in protein truncation or nonsense mediated decay in a gene for which loss-of-function is a known mechanism of disease; Not observed in large population cohorts (gnomAD); This variant is associated with the following publications: (PMID: 16400610, 30181649, 25525159, 29453417, 22461308, 24368733, 21158681, 23024289, 28832562, 32625235, 34009138, 31785789)

Daryl Scott Lab, Baylor College of Medicine
Classification: Pathogenic for CHD7-related CHARGE syndrome. Last evaluated: 2022-08-22. Review status: criteria provided, single submitter. Criteria: ACMG Guidelines, 2015. Collection method: clinical testing. Allele origin: unknown. Affected: yes. Observed: 1 variant allele, 1 heterozygote.

Revvity Omics, Revvity
Classification: Pathogenic. Last evaluated: 2021-11-10. Review status: criteria provided, single submitter. Criteria: ACMG Guidelines, 2015. Collection method: clinical testing. Allele origin: germline.

Institute of Medical Genetics and Applied Genomics, University Hospital Tübingen
Classification: Pathogenic. Last evaluated: 2021-02-01. Review status: criteria provided, single submitter. Criteria: ACMG Guidelines, 2015. Collection method: clinical testing. Allele origin: germline. Inheritance: Autosomal dominant inheritance. Affected: yes.

Genomic Medicine Lab, University of California San Francisco
Classification: Pathogenic for CHD7-related CHARGE syndrome. Last evaluated: 2020-04-02. Review status: criteria provided, single submitter. Criteria: ACMG Guidelines, 2015. Collection method: clinical testing. Allele origin: unknown. Inheritance: Autosomal dominant inheritance. Affected: yes. Study: CSER-P3EGS.

Centre for Mendelian Genomics, University Medical Centre Ljubljana
Classification: Pathogenic for CHD7-related CHARGE syndrome. Last evaluated: 2018-11-30. Review status: criteria provided, single submitter. Criteria: ACMG Guidelines, 2015. Collection method: clinical testing. Allele origin: unknown. Affected: yes.
Comment: This variant was classified as: Pathogenic. The following ACMG criteria were applied in classifying this variant: PVS1,PM2,PP4,PP5.

NM_017780.4(CHD7):c.1480C>T (p.Arg494Ter)

Gene: CHD7 (chromodomain helicase DNA binding protein 7; plus strand). Cytogenetic location: 8q12.2.
Variant type: single nucleotide variant.
Coding change: c.1480C>T on transcript NM_017780.4 (MANE Select); coding-DNA position 1480, C replaced by T.
Protein change: p.Arg494Ter; replaces arginine 494 with a stop codon.
Molecular consequence: nonsense.
Genome position (GRCh38, 1-based): chr8:60,742,912, C>T. VCF-style: chr8-60742912-C-T. GRCh37 (hg19) VCF-style: chr8-61655471-C-T.
Other names: c.1480C>T; p.R494*; c.1480C>T (LRG_176t1); c.1480C>T, p.Arg494Ter (NM_001316690.1); c.[1480C>T] (NM_017780.3); short protein forms R494*.
Identifiers: ClinVar variation 158279 (VCV000158279.46), dbSNP rs587783429, ClinGen allele CA271280.